The following is an entry in ClinVar:

NM_001080449.3(DNA2):c.939+186_939+202del

Gene: DNA2 (DNA replication helicase/nuclease 2; minus strand). Cytogenetic location: 10q21.3.
Variant type: Deletion.
Coding change: c.939+186_939+202del on transcript NM_001080449.3 (MANE Select); bases 186 to 202 of the intron after coding-DNA position 939, 17 bases deleted (CTCTCGGGTTCAAGCGA).
Molecular consequence: intron variant.
Genome position (GRCh38, 1-based): chr10:68,449,826-68,449,842, TCGCTTGAACCCGAGAG deleted on the plus strand (CTCTCGGGTTCAAGCGA on the coding strand, the reverse complement: DNA2 is on the minus strand). VCF-style (leftmost placement, unchanged base first): chr10-68449825-ATCGCTTGAACCCGAGAG-A. GRCh37 (hg19) VCF-style: chr10-70209582-ATCGCTTGAACCCGAGAG-A.
Identifiers: ClinVar variation 669713 (VCV000669713.1), dbSNP rs59391479, ClinGen allele CA208217262.
Genomic context (GRCh38, chr10:68,449,825, plus strand): 5'-TAGCTGGGCATGATGGTGAGGGCCTGTAATCCCAGCTACTCAGGAGGCTGAGGCAGGAGA[ATCGCTTGAACCCGAGAG>A]GCAGAGATTACAATGAGCTGAGATCACACCATTGCACTCCAGCCTGGCATGAACCCAGGA-3'

ClinVar aggregate classification (germline): Benign (1 of 4 stars; one submission).

Allele frequency attached by ClinVar (database versions not stated): gnomAD 0.08131 and 0.08865; TOPMed 0.08670; 1000 Genomes Project 30x 0.12804; 1000 Genomes Project 0.13059.

Submission:

GeneDx
Classification: Benign. Last evaluated: 2018-06-14. Review status: criteria provided, single submitter. Criteria: GeneDx Variant Classification (06012015). Collection method: clinical testing. Allele origin: germline. Affected: yes.
Comment: This variant is considered likely benign or benign based on one or more of the following criteria: it is a conservative change, it occurs at a poorly conserved position in the protein, it is predicted to be benign by multiple in silico algorithms, and/or has population frequency not consistent with disease.